The following is an entry in ClinVar:

ClinVar aggregate classification (germline): Uncertain significance (1 of 4 stars; one submission).

Conditions:
Thrombophilia due to protein S deficiency, autosomal recessive (THPH6). Identifiers: Orphanet 743, MedGen C3281092, MONDO:0013791, OMIM 614514. Disease mechanism: loss of function.

Submission:

Labcorp Genetics (formerly Invitae), Labcorp
Classification: Uncertain significance for Thrombophilia due to protein S deficiency, autosomal recessive. Last evaluated: 2025-06-08. Review status: criteria provided, single submitter. Criteria: Invitae Variant Classification Sherloc (09022015). Collection method: clinical testing. Allele origin: germline.
Comment: This sequence change replaces leucine, which is neutral and non-polar, with proline, which is neutral and non-polar, at codon 12 of the PROS1 protein (p.Leu12Pro). This variant is not present in population databases (gnomAD no frequency). This variant has not been reported in the literature in individuals affected with PROS1-related conditions. Invitae Evidence Modeling of protein sequence and biophysical properties (such as structural, functional, and spatial information, amino acid conservation, physicochemical variation, residue mobility, and thermodynamic stability) has been performed for this missense variant. However, the output from this modeling did not meet the statistical confidence thresholds required to predict the impact of this variant on PROS1 protein function. In summary, the available evidence is currently insufficient to determine the role of this variant in disease. Therefore, it has been classified as a Variant of Uncertain Significance.

NM_000313.4(PROS1):c.35T>C (p.Leu12Pro)

Gene: PROS1 (protein S; minus strand). Cytogenetic location: 3q11.1.
Variant type: single nucleotide variant.
Coding change: c.35T>C on transcript NM_000313.4 (MANE Select); coding-DNA position 35, T replaced by C.
Protein change: p.Leu12Pro; replaces leucine 12 with proline.
Molecular consequence: missense variant.
Genome position (GRCh38, 1-based): chr3:93,973,715, A>G on the plus strand (T>C on the coding strand, the complement: PROS1 is on the minus strand). VCF-style: chr3-93973715-A-G. GRCh37 (hg19) VCF-style: chr3-93692559-A-G.
Other names: c.35T>C, p.Leu12Pro (NM_001314077.2); short protein forms L12P.
Identifiers: ClinVar variation 4737600 (VCV004737600.1).